The following is an entry in ClinVar:

NM_004104.5(FASN):c.2269G>A (p.Val757Met)

Gene: FASN (fatty acid synthase; minus strand). Cytogenetic location: 17q25.3.
Variant type: single nucleotide variant.
Coding change: c.2269G>A on transcript NM_004104.5 (MANE Select); coding-DNA position 2269, G replaced by A.
Protein change: p.Val757Met; replaces valine 757 with methionine.
Molecular consequence: missense variant.
Genome position (GRCh38, 1-based): chr17:82,089,004, C>T on the plus strand (G>A on the coding strand, the complement: FASN is on the minus strand). VCF-style: chr17-82089004-C-T. GRCh37 (hg19) VCF-style: chr17-80046880-C-T.
Other names: short protein forms V757M.
Identifiers: ClinVar variation 462020 (VCV000462020.9), dbSNP rs1555668215, ClinGen allele CA401558317.

ClinVar aggregate classification (germline): Uncertain significance (1 of 4 stars; one submission).

Conditions:
Epileptic encephalopathy. Identifiers: MedGen C0543888, HP:0200134.

Allele frequency attached by ClinVar (database versions not stated): gnomAD exomes below 0.00001.
gnomAD v4.1: 2 of 1,609,444 alleles (0.00012%); highest among the groups gnomAD compares: African/African-American, 0.0013%; no homozygotes.

Submission:

Labcorp Genetics (formerly Invitae), Labcorp
Classification: Uncertain significance for Epileptic encephalopathy. Last evaluated: 2018-09-13. Review status: criteria provided, single submitter. Criteria: Invitae Variant Classification Sherloc (09022015). Collection method: clinical testing. Allele origin: germline.
Comment: In summary, this variant is a novel missense change with uncertain impact on protein function. It has been classified as a Variant of Uncertain Significance. Algorithms developed to predict the effect of missense changes on protein structure and function do not agree on the potential impact of this missense change (SIFT: "Deleterious"; PolyPhen-2: "Probably Damaging"; Align-GVGD: "Class C0"). This variant is not present in population databases (ExAC no frequency) and has not been reported in the literature in individuals with a FASN-related disease. This sequence change replaces valine with methionine at codon 757 of the FASN protein (p.Val757Met). The valine residue is highly conserved and there is a small physicochemical difference between valine and methionine.